The following is an entry in ClinVar:

NM_006767.4(LZTR1):c.340C>T (p.Pro114Ser)

Gene: LZTR1 (leucine zipper like post translational regulator 1; plus strand). Cytogenetic location: 22q11.21.
Variant type: single nucleotide variant.
Coding change: c.340C>T on transcript NM_006767.4 (MANE Select); coding-DNA position 340, C replaced by T.
Protein change: p.Pro114Ser; replaces proline 114 with serine.
Molecular consequence: missense variant.
Genome position (GRCh38, 1-based): chr22:20,987,523, C>T. VCF-style: chr22-20987523-C-T. GRCh37 (hg19) VCF-style: chr22-21341812-C-T.
Other names: short protein forms P114S.
Identifiers: ClinVar variation 1731159 (VCV001731159.6), dbSNP rs1924436407, ClinGen allele CA410779277.
Genomic context (GRCh38, chr22:20,987,523, plus strand): 5'-GTGACCCCCGCTGACTCTCACCACCCCTGTGCCCACCCCAGGGCCTTTACCACTGGGACC[C>T]CACCGGCCCCCCGTTACCACCACTCGGCCGTCGTCTATGGGAGCAGCATGTTTGTCTTTG-3'
Protein context (NP_006758.2, residues 104-124): SWCRAFTTGT[Pro114Ser]PAPRYHHSAV

ClinVar aggregate classification (germline): Uncertain significance. Review status: criteria provided, multiple submitters, no conflicts (2 of 4 stars). 2 submissions from 2 submitters: Uncertain significance (2). Last evaluated 2025-11-21.

Conditions:
Hereditary cancer-predisposing syndrome. Also called: Neoplastic Syndromes, Hereditary; Tumor predisposition; Hereditary Cancer Syndrome; Hereditary neoplastic syndrome. Identifiers: Orphanet 140162, MedGen C0027672, MeSH D009386, MONDO:0015356.
Cardiovascular phenotype. Identifiers: MedGen CN230736.

Allele frequency attached by ClinVar (database versions not stated): gnomAD exomes below 0.00001; TOPMed below 0.00001.

Submissions (2):

Labcorp Genetics (formerly Invitae), Labcorp
Classification: Uncertain significance. Last evaluated: 2025-11-21. Review status: criteria provided, single submitter. Criteria: Invitae Variant Classification Sherloc (09022015). Collection method: clinical testing. Allele origin: germline.
Comment: This sequence change replaces proline, which is neutral and non-polar, with serine, which is neutral and polar, at codon 114 of the LZTR1 protein (p.Pro114Ser). This variant is not present in population databases (gnomAD no frequency). This variant has not been reported in the literature in individuals affected with LZTR1-related conditions. ClinVar contains an entry for this variant (Variation ID: 1731159). Invitae Evidence Modeling of protein sequence and biophysical properties (such as structural, functional, and spatial information, amino acid conservation, physicochemical variation, residue mobility, and thermodynamic stability) indicates that this missense variant is not expected to disrupt LZTR1 protein function with a negative predictive value of 80%. In summary, the available evidence is currently insufficient to determine the role of this variant in disease. Therefore, it has been classified as a Variant of Uncertain Significance.

Ambry Genetics
Classification: Uncertain significance for Cardiovascular phenotype; Hereditary cancer-predisposing syndrome. Last evaluated: 2025-06-14. Review status: criteria provided, single submitter. Criteria: Ambry Variant Classification Scheme 2023. Collection method: clinical testing. Allele origin: germline.
Comment: The p.P114S variant (also known as c.340C>T), located in coding exon 4 of the LZTR1 gene, results from a C to T substitution at nucleotide position 340. The proline at codon 114 is replaced by serine, an amino acid with similar properties. This amino acid position is highly conserved in available vertebrate species. In addition, the in silico prediction for this alteration is inconclusive. Since supporting evidence is limited at this time, the clinical significance of this alteration remains unclear.